The following is an entry in ClinVar:

ClinVar aggregate classification (germline): Conflicting classifications of pathogenicity. Review status: criteria provided, conflicting classifications (1 of 4 stars). 3 submissions from 3 submitters: Uncertain significance (1); Likely benign (1). 1 of the submissions does not count toward it. Last evaluated 2025-12-01.

Conditions:
LMNA-related disorder. Also called: LMNA-related condition; LMNA-related disease; LMNA-related disorders. Identifiers: MedGen CN380145.

Allele frequency attached by ClinVar (database versions not stated): gnomAD 0.00005; gnomAD exomes 0.00007; ExAC 0.00027.
gnomAD v4.1: 114 of 1,607,814 alleles (0.0071%); highest among the groups gnomAD compares: South Asian, 0.011%; no homozygotes.

Submissions (3):

CeGaT Center for Human Genetics Tuebingen
Classification: Uncertain significance. Last evaluated: 2025-12-01. Review status: criteria provided, single submitter. Criteria: CeGaT Center For Human Genetics Tuebingen Variant Classification Criteria Version 2. Collection method: clinical testing. Allele origin: germline. Affected: yes. Observed: 1 variant allele.
Comment: LMNA: PM2, BP4

Blueprint Genetics
Classification: Likely benign. Last evaluated: 2024-04-25. Review status: criteria provided, single submitter. Criteria: ACMG Guidelines, 2015. Collection method: clinical testing. Allele origin: germline.

PreventionGenetics, part of Exact Sciences
Classification: Uncertain significance for LMNA-related condition. Last evaluated: 2024-02-23. Review status: no assertion criteria provided. Collection method: clinical testing. Allele origin: germline. Not counted in ClinVar's aggregate classification.
Comment: The LMNA c.95C>T variant is predicted to result in the amino acid substitution p.Ala32Val. To our knowledge, this variant has not been reported in the literature. This variant is reported in 0.18% of alleles in individuals of European (Finnish) descent in gnomAD. At this time, the clinical significance of this variant is uncertain due to the absence of conclusive functional and genetic evidence.

NM_170707.4(LMNA):c.357-3720C>T

Gene: LMNA (lamin A/C; plus strand). Cytogenetic location: 1q22.
Variant type: single nucleotide variant.
Coding change: c.357-3720C>T on transcript NM_170707.4 (MANE Select); 3720 bases into the intron before coding-DNA position 357, C replaced by T.
Molecular consequence: intron variant. On other transcripts: missense variant (3), 5 prime UTR variant (2).
Genome position (GRCh38, 1-based): chr1:156,126,897, C>T. VCF-style: chr1-156126897-C-T. GRCh37 (hg19) VCF-style: chr1-156096688-C-T.
Other names: c.-202-3720C>T (NM_001406993.1, NM_001407003.1); c.357-3720C>T (NM_001406992.1, NM_001406985.1, NM_001282626.2 and 6 more transcripts); c.-308-3720C>T (NM_001407000.1, NM_001406994.1); c.-151-7506C>T (NM_001407001.1); c.-45-7506C>T (NM_001406995.1, NM_001406990.1, NM_001407002.1); c.20+674C>T (NM_001406989.1, NM_001257374.3, NM_001406998.1); c.-24+246C>T (NM_001406988.1); c.-203+246C>T (NM_001406997.1); and 3 more; short protein forms A32V.
Identifiers: ClinVar variation 3036310 (VCV003036310.8), dbSNP rs760318158, ClinGen allele CA052526.